The following is an entry in ClinVar:

NM_001367823.1(ARHGEF18):c.3853C>T (p.Arg1285Trp)

Gene: ARHGEF18 (Rho/Rac guanine nucleotide exchange factor 18; plus strand). Cytogenetic location: 19p13.2.
Variant type: single nucleotide variant.
Coding change: c.3853C>T on transcript NM_001367823.1 (MANE Select); coding-DNA position 3853, C replaced by T.
Protein change: p.Arg1285Trp; replaces arginine 1285 with tryptophan.
Molecular consequence: missense variant.
Genome position (GRCh38, 1-based): chr19:7,469,969, C>T. VCF-style: chr19-7469969-C-T. GRCh37 (hg19) VCF-style: chr19-7534855-C-T.
Other names: c.3289C>T (NM_001130955.1); c.3127C>T, p.Arg1043Trp (NM_001130955.2); c.2815C>T, p.Arg939Trp (NM_001367824.1, NM_015318.4); short protein forms R1043W, R1285W, R939W.
Identifiers: ClinVar variation 1001590 (VCV001001590.8), dbSNP rs922135452, ClinGen allele CA304858332.

ClinVar aggregate classification (germline): Uncertain significance. Review status: criteria provided, multiple submitters, no conflicts (2 of 4 stars). 3 submissions from 3 submitters: Uncertain significance (3). Last evaluated 2025-03-26.

Conditions:
Inborn genetic diseases. Identifiers: MedGen C0950123, MeSH D030342.

Allele frequency attached by ClinVar (database versions not stated): gnomAD exomes 0.00001; TOPMed 0.00002.
gnomAD v4.1: 19 of 1,612,980 alleles (0.0012%); highest among the groups gnomAD compares: Middle Eastern, 0.016%; no homozygotes.

Submissions (3):

Ambry Genetics
Classification: Uncertain significance for Inborn genetic diseases. Last evaluated: 2025-03-26. Review status: criteria provided, single submitter. Criteria: Ambry Variant Classification Scheme 2023. Collection method: clinical testing. Allele origin: germline.

Labcorp Genetics (formerly Invitae), Labcorp
Classification: Uncertain significance. Last evaluated: 2024-11-11. Review status: criteria provided, single submitter. Criteria: Invitae Variant Classification Sherloc (09022015). Collection method: clinical testing. Allele origin: germline.
Comment: This sequence change replaces arginine, which is basic and polar, with tryptophan, which is neutral and slightly polar, at codon 1097 of the ARHGEF18 protein (p.Arg1097Trp). This variant is present in population databases (no rsID available, gnomAD 0.003%). This variant has not been reported in the literature in individuals affected with ARHGEF18-related conditions. ClinVar contains an entry for this variant (Variation ID: 1001590). An algorithm developed to predict the effect of missense changes on protein structure and function (PolyPhen-2) suggests that this variant is likely to be disruptive. In summary, the available evidence is currently insufficient to determine the role of this variant in disease. Therefore, it has been classified as a Variant of Uncertain Significance.

Blueprint Genetics
Classification: Uncertain significance. Last evaluated: 2022-10-13. Review status: criteria provided, single submitter. Criteria: ACMG Guidelines, 2015. Collection method: clinical testing. Allele origin: germline.